The following is an entry in ClinVar:

NM_017514.5(PLXNA3):c.2206C>T (p.Arg736Cys)

Gene: PLXNA3 (plexin A3; plus strand). Cytogenetic location: Xq28.
Variant type: single nucleotide variant.
Coding change: c.2206C>T on transcript NM_017514.5 (MANE Select); coding-DNA position 2206, C replaced by T.
Protein change: p.Arg736Cys; replaces arginine 736 with cysteine.
Molecular consequence: missense variant.
Genome position (GRCh38, 1-based): chrX:154,465,180, C>T. VCF-style: chrX-154465180-C-T. GRCh37 (hg19) VCF-style: chrX-153693523-C-T.
Other names: short protein forms R736C.
Identifiers: ClinVar variation 4992875 (VCV004992875.1).
Genomic context (GRCh38, chrX:154,465,180, plus strand): 5'-CAGAAGAACTATGAGTGCGTGGTGCGGGTGCAGGGGCGGCAGCAGCGGGTGCCTGCCGTG[C>T]GCTTCAACAGCAGCAGTGTGCAGTGCCAGAACGCCTCGGTGAGGTCCCACCCGCTGCCTC-3'
Protein context (NP_059984.3, residues 726-746): QGRQQRVPAV[Arg736Cys]FNSSSVQCQN

ClinVar aggregate classification (germline): Uncertain significance (1 of 4 stars; one submission).

Conditions:
PLXNA3-related disorder. Also called: PLXNA3-related condition.

gnomAD v4.1: 2 of 1,209,818 alleles (0.00017%); highest among the groups gnomAD compares: South Asian, 0.0018%; no homozygotes.

Submission:

PreventionGenetics, part of Exact Sciences
Classification: Uncertain significance for PLXNA3-related condition. Last evaluated: 2026-08-05. Review status: criteria provided, single submitter. Criteria: ACMG Guidelines, 2015. Collection method: clinical testing. Allele origin: germline.
Comment: The PLXNA3 c.2206C>T variant is predicted to result in the amino acid substitution p.Arg736Cys. To our knowledge, this variant has not been reported in the literature. This variant is reported in 0.0053% of alleles in individuals of South Asian descent in gnomAD. At this time, the clinical significance of this variant is uncertain due to the absence of conclusive functional and genetic evidence.